The following is an entry in ClinVar:

NM_007294.4(BRCA1):c.1117A>C (p.Ile373Leu)

Gene: BRCA1 (BRCA1 DNA repair associated; minus strand). Cytogenetic location: 17q21.31.
Variant type: single nucleotide variant.
Coding change: c.1117A>C on transcript NM_007294.4 (MANE Select); coding-DNA position 1117, A replaced by C.
Protein change: p.Ile373Leu; replaces isoleucine 373 with leucine.
Molecular consequence: missense variant. On other transcripts: intron variant (137).
Genome position (GRCh38, 1-based): chr17:43,094,414, T>G on the plus strand (A>C on the coding strand, the complement: BRCA1 is on the minus strand). VCF-style: chr17-43094414-T-G. GRCh37 (hg19) VCF-style: chr17-41246431-T-G.
Other names: c.904A>C, p.Ile302Leu (NM_001407571.1, NM_001407853.1, NM_001407894.1 and 9 more transcripts); c.1117A>C, p.Ile373Leu (NM_001407581.1, NM_001407582.1, NM_001407583.1 and 30 more transcripts); c.1114A>C, p.Ile372Leu (NM_001407587.1, NM_001407590.1, NM_001407591.1 and 22 more transcripts); c.1108A>C, p.Ile370Leu (NM_001407646.1, NM_001407647.1); c.994A>C, p.Ile332Leu (NM_001407648.1, NM_001407664.1, NM_001407665.1 and 19 more transcripts); c.991A>C, p.Ile331Leu (NM_001407649.1, NM_001407670.1, NM_001407671.1 and 11 more transcripts); c.1039A>C, p.Ile347Leu (NM_001407653.1, NM_001407654.1, NM_001407655.1 and 4 more transcripts); c.1036A>C, p.Ile346Leu (NM_001407659.1, NM_001407660.1, NM_001407661.1 and 1 more transcripts); and 40 more; short protein forms I284L, I331L, I347L, I370L, I262L, I305L, I306L, I326L.
Identifiers: ClinVar variation 2123307 (VCV002123307.9), dbSNP rs373218165, ClinGen allele CA10599823.
Genomic context (GRCh38, chr17:43,094,414, plus strand): 5'-ACAGTTCATCACTTCTGGAAAACCACTCATTAACTTTCTGAATGCTGCTATTTAGTGTTA[T>G]CCAAGGAACATCTTCAGTATCTCTAGGATTCTCTGAGCATGGCAGTTTCTGCTTATTCCA-3'
Protein context (NP_009225.1, residues 363-383): NPRDTEDVPW[Ile373Leu]TLNSSIQKVN

ClinVar aggregate classification (germline): Conflicting classifications of pathogenicity. Review status: criteria provided, conflicting classifications (1 of 4 stars). 3 submissions from 3 submitters: Uncertain significance (1); Likely benign (2). Last evaluated 2025-12-29.
ClinVar aggregate classification (oncogenicity): Uncertain significance (1 of 4 stars; one submission).

Conditions:
Hereditary breast ovarian cancer syndrome. Also called: Hereditary breast and ovarian cancer syndrome (HBOC); Hereditary breast and/or ovarian cancer syndrome; Hereditary breast and ovarian cancer; BRCA1- and BRCA2-Associated Hereditary Breast and Ovarian Cancer; Breast and ovarian cancer; Hereditary breast and ovarian cancer syndrome. Identifiers: Orphanet 145, MedGen C0677776, MeSH D061325, MONDO:0003582. Disease mechanism: loss of function.
Hereditary cancer-predisposing syndrome. Also called: Hereditary Cancer Syndrome; Tumor predisposition; Neoplastic Syndromes, Hereditary; Hereditary neoplastic syndrome. Identifiers: Orphanet 140162, MedGen C0027672, MeSH D009386, MONDO:0015356.
Neoplasm. Also called: tumor; Neoplasms; Neoplasm (disease). Identifiers: MedGen C0027651, MeSH D009369, MONDO:0005070, HP:0002664.

Submissions (4):

Center for Genomic Medicine, Rigshospitalet, Copenhagen University Hospital
Classification: Likely benign. Last evaluated: 2025-12-29. Review status: criteria provided, single submitter. Criteria: ACMG Guidelines, 2015. Collection method: clinical testing. Allele origin: germline.
Comment: Classification criteria: BP1_strong

Center for Genomic Medicine, Rigshospitalet, Copenhagen University Hospital
Classification: Uncertain significance for Neoplasm. Last evaluated: 2025-03-04. Review status: criteria provided, single submitter. Criteria: ClinGen/CGC/VICC Guidelines for Oncogenicity, 2022. Collection method: clinical testing. Allele origin: somatic. Affected: yes.

University of Washington Department of Laboratory Medicine, University of Washington
Classification: Likely benign for Hereditary cancer-predisposing syndrome. Last evaluated: 2023-03-23. Review status: criteria provided, single submitter. Criteria: Dines et al. (Genet Med. 2020). Collection method: curation. Allele origin: germline.
Comment: Missense variant in a coldspot region where missense variants are very unlikely to be pathogenic (PMID:31911673).

BRCA1 coldspot (exon 11 using historical exon numbering). Reclassification based on statistical prior probability

Labcorp Genetics (formerly Invitae), Labcorp
Classification: Uncertain significance for Hereditary breast ovarian cancer syndrome. Last evaluated: 2022-04-11. Review status: criteria provided, single submitter. Criteria: Invitae Variant Classification Sherloc (09022015). Collection method: clinical testing. Allele origin: germline.
Comment: This variant is not present in population databases (gnomAD no frequency). This variant has not been reported in the literature in individuals affected with BRCA1-related conditions. Advanced modeling of protein sequence and biophysical properties (such as structural, functional, and spatial information, amino acid conservation, physicochemical variation, residue mobility, and thermodynamic stability) performed at Invitae indicates that this missense variant is not expected to disrupt BRCA1 protein function. In summary, the available evidence is currently insufficient to determine the role of this variant in disease. Therefore, it has been classified as a Variant of Uncertain Significance. This sequence change replaces isoleucine, which is neutral and non-polar, with leucine, which is neutral and non-polar, at codon 373 of the BRCA1 protein (p.Ile373Leu).

Literature cited by the submitters: PubMed 31911673 (cited by Center for Genomic Medicine, Rigshospitalet, Copenhagen University Hospital).